The following is an entry in ClinVar:

ClinVar aggregate classification (germline): Uncertain significance. Review status: criteria provided, multiple submitters, no conflicts (2 of 4 stars). 3 submissions from 3 submitters: Uncertain significance (3). Last evaluated 2023-12-04.

Conditions:
Hereditary cancer-predisposing syndrome. Also called: Neoplastic Syndromes, Hereditary; Tumor predisposition; Hereditary Cancer Syndrome; Hereditary neoplastic syndrome. Identifiers: Orphanet 140162, MedGen C0027672, MeSH D009386, MONDO:0015356.
Familial cancer of breast. Also called: BREAST CANCER, FAMILIAL; Hereditary breast cancer; hereditary breast carcinoma. Identifiers: Orphanet 227535, MedGen C0346153, MONDO:0016419, OMIM 114480. Disease mechanism: loss of function.

Submissions (3):

Ambry Genetics
Classification: Uncertain significance for Hereditary cancer-predisposing syndrome. Last evaluated: 2023-12-04. Review status: criteria provided, single submitter. Criteria: Ambry Variant Classification Scheme 2023. Collection method: clinical testing. Allele origin: germline.
Comment: The p.S815A variant (also known as c.2443T>G), located in coding exon 5 of the PALB2 gene, results from a T to G substitution at nucleotide position 2443. The serine at codon 815 is replaced by alanine, an amino acid with similar properties. This amino acid position is conserved. In addition, this alteration is predicted to be tolerated by in silico analysis. Since supporting evidence is limited at this time, the clinical significance of this alteration remains unclear.

Color Diagnostics, LLC DBA Color Health
Classification: Uncertain significance for Hereditary cancer-predisposing syndrome. Last evaluated: 2023-12-04. Review status: criteria provided, single submitter. Criteria: ACMG Guidelines, 2015. Collection method: clinical testing. Allele origin: germline.
Comment: This missense variant replaces serine with alanine at codon 815 of the PALB2 protein. Computational prediction suggests that this variant may not impact protein structure and function (internally defined REVEL score threshold <= 0.5, PMID: 27666373). To our knowledge, functional studies have not been reported for this variant. This variant has not been reported in individuals affected with PALB2-related disorders in the literature. This variant has not been identified in the general population by the Genome Aggregation Database (gnomAD). The available evidence is insufficient to determine the role of this variant in disease conclusively. Therefore, this variant is classified as a Variant of Uncertain Significance.

Labcorp Genetics (formerly Invitae), Labcorp
Classification: Uncertain significance for Familial cancer of breast. Last evaluated: 2022-05-04. Review status: criteria provided, single submitter. Criteria: Invitae Variant Classification Sherloc (09022015). Collection method: clinical testing. Allele origin: germline.
Comment: ClinVar contains an entry for this variant (Variation ID: 921075). This variant has not been reported in the literature in individuals affected with PALB2-related conditions. This variant is not present in population databases (gnomAD no frequency). This sequence change replaces serine, which is neutral and polar, with alanine, which is neutral and non-polar, at codon 815 of the PALB2 protein (p.Ser815Ala). Algorithms developed to predict the effect of missense changes on protein structure and function are either unavailable or do not agree on the potential impact of this missense change (SIFT: "Tolerated"; PolyPhen-2: "Possibly Damaging"; Align-GVGD: "Class C0"). In summary, the available evidence is currently insufficient to determine the role of this variant in disease. Therefore, it has been classified as a Variant of Uncertain Significance.

NM_024675.4(PALB2):c.2443T>G (p.Ser815Ala)

Gene: PALB2 (partner and localizer of BRCA2; minus strand). Cytogenetic location: 16p12.2.
Variant type: single nucleotide variant.
Coding change: c.2443T>G on transcript NM_024675.4 (MANE Select); coding-DNA position 2443, T replaced by G.
Protein change: p.Ser815Ala; replaces serine 815 with alanine.
Molecular consequence: missense variant.
Genome position (GRCh38, 1-based): chr16:23,629,711, A>C on the plus strand (T>G on the coding strand, the complement: PALB2 is on the minus strand). VCF-style: chr16-23629711-A-C. GRCh37 (hg19) VCF-style: chr16-23641032-A-C.
Other names: short protein forms S815A.
Identifiers: ClinVar variation 921075 (VCV000921075.10), dbSNP rs746802428, ClinGen allele CA7963571.